The following is an entry in ClinVar:

NM_000051.4(ATM):c.8108A>G (p.Asp2703Gly)

Genes: ATM (ATM serine/threonine kinase; plus strand), C11orf65 (chromosome 11 open reading frame 65; minus strand). Cytogenetic location: 11q22.3.
Variant type: single nucleotide variant.
Coding change: c.8108A>G on transcript NM_000051.4 (MANE Select); coding-DNA position 8108, A replaced by G.
Protein change: p.Asp2703Gly; replaces aspartic acid 2703 with glycine.
Molecular consequence: missense variant. On other transcripts: intron variant (2).
Genome position (GRCh38, 1-based): chr11:108,335,066, A>G. VCF-style: chr11-108335066-A-G. GRCh37 (hg19) VCF-style: chr11-108205793-A-G.
Other names: c.8108A>G, p.Asp2703Gly (NM_001351834.2); c.641-25995T>C (NM_001330368.2); c.*38+154T>C (NM_001351110.2); short protein forms D2703G.
Identifiers: ClinVar variation 1046514 (VCV001046514.9), dbSNP rs1565541059, ClinGen allele CA382562125.

ClinVar aggregate classification (germline): Uncertain significance (1 of 4 stars; one submission).

Conditions:
Ataxia-telangiectasia syndrome (AT). Also called: Ataxia telangiectasia (A-T); ATAXIA-TELANGIECTASIA, COMPLEMENTATION GROUP A; ATAXIA-TELANGIECTASIA, FRESNO VARIANT; Ataxia-telangiectasia; Ataxia-telangiectasia, complementation group E; LOUIS-BAR SYNDROME. Identifiers: Orphanet 100, MedGen C0004135, MONDO:0008840, OMIM 208900.

Allele frequency attached by ClinVar (database versions not stated): TOPMed below 0.00001; gnomAD 0.00001.
gnomAD v4.1: 1 of 1,613,980 alleles (0.000062%); highest among the groups gnomAD compares: Non-Finnish European, 0.000085%; no homozygotes.

Submission:

Labcorp Genetics (formerly Invitae), Labcorp
Classification: Uncertain significance for Ataxia-telangiectasia syndrome. Last evaluated: 2020-08-20. Review status: criteria provided, single submitter. Criteria: Invitae Variant Classification Sherloc (09022015). Collection method: clinical testing. Allele origin: germline.
Comment: In summary, the available evidence is currently insufficient to determine the role of this variant in disease. Therefore, it has been classified as a Variant of Uncertain Significance. Algorithms developed to predict the effect of missense changes on protein structure and function (SIFT, PolyPhen-2, Align-GVGD) all suggest that this variant is likely to be tolerated, but these predictions have not been confirmed by published functional studies and their clinical significance is uncertain. This variant has not been reported in the literature in individuals with ATM-related conditions. This variant is not present in population databases (ExAC no frequency). This sequence change replaces aspartic acid with glycine at codon 2703 of the ATM protein (p.Asp2703Gly). The aspartic acid residue is moderately conserved and there is a moderate physicochemical difference between aspartic acid and glycine.